The following is an entry in ClinVar:

ClinVar aggregate classification (germline): Uncertain significance (1 of 4 stars; one submission).

Conditions:
Neuroblastoma, susceptibility to, 3. Also called: ALK-Related Neuroblastic Tumor Susceptibility. Identifiers: Orphanet 635, MedGen C2751681, MONDO:0013083, OMIM 613014.

Submission:

Labcorp Genetics (formerly Invitae), Labcorp
Classification: Uncertain significance for Neuroblastoma, susceptibility to, 3. Last evaluated: 2022-04-25. Review status: criteria provided, single submitter. Criteria: Invitae Variant Classification Sherloc (09022015). Collection method: clinical testing. Allele origin: germline.
Comment: This sequence change replaces glutamic acid, which is acidic and polar, with aspartic acid, which is acidic and polar, at codon 1460 of the ALK protein (p.Glu1460Asp). Information on the frequency of this variant in the gnomAD database is not available, as this variant may be reported differently in the database. This variant has not been reported in the literature in individuals affected with ALK-related conditions. In summary, the available evidence is currently insufficient to determine the role of this variant in disease. Therefore, it has been classified as a Variant of Uncertain Significance. Experimental studies and prediction algorithms are not available or were not evaluated, and the functional significance of this variant is currently unknown. ClinVar contains an entry for this variant (Variation ID: 577237).

NM_004304.5(ALK):c.4380G>C (p.Glu1460Asp)

Gene: ALK (ALK receptor tyrosine kinase; minus strand). Cytogenetic location: 2p23.2.
Variant type: single nucleotide variant.
Coding change: c.4380G>C on transcript NM_004304.5 (MANE Select); coding-DNA position 4380, G replaced by C.
Protein change: p.Glu1460Asp; replaces glutamic acid 1460 with aspartic acid.
Molecular consequence: missense variant.
Genome position (GRCh38, 1-based): chr2:29,193,707, C>G on the plus strand (G>C on the coding strand, the complement: ALK is on the minus strand). VCF-style: chr2-29193707-C-G. GRCh37 (hg19) VCF-style: chr2-29416573-C-G.
Other names: c.1176G>C, p.Glu392Asp (NM_001353765.2); short protein forms E1460D, E392D.
Identifiers: ClinVar variation 577237 (VCV000577237.6), dbSNP rs1558603894, ClinGen allele CA346462299.